The following is an entry in ClinVar:

NM_022098.4(XPNPEP3):c.*2629G>A

Gene: XPNPEP3 (X-prolyl aminopeptidase 3; plus strand). Cytogenetic location: 22q13.2.
Variant type: single nucleotide variant.
Coding change: c.*2629G>A on transcript NM_022098.4 (MANE Select); 2629 bases downstream of the stop codon, G replaced by A.
Molecular consequence: 3 prime UTR variant.
Genome position (GRCh38, 1-based): chr22:40,929,064, G>A. VCF-style: chr22-40929064-G-A. GRCh37 (hg19) VCF-style: chr22-41325068-G-A.
Identifiers: ClinVar variation 341713 (VCV000341713.6), dbSNP rs2899341, ClinGen allele CA10651339.

ClinVar aggregate classification (germline): Benign. Review status: criteria provided, multiple submitters, no conflicts (2 of 4 stars). 2 submissions from 2 submitters: Benign (2). Last evaluated 2018-01-13.

Conditions:
Nephronophthisis-like nephropathy 1 (NPHPL1). Identifiers: Orphanet 655, MedGen C3150419, MONDO:0013163, OMIM 613159.

Allele frequency attached by ClinVar (database versions not stated): gnomAD exomes 0.48077; TOPMed 0.54083; gnomAD 0.55160 and 0.55287; 1000 Genomes Project 30x 0.58979; 1000 Genomes Project 0.59465.
gnomAD v4.1: 83,823 of 151,914 alleles (55%); highest among the groups gnomAD compares: East Asian, 93%; 23,954 homozygotes.

Submissions (2):

Illumina Laboratory Services, Illumina
Classification: Benign for Nephronophthisis-like nephropathy 1. Last evaluated: 2018-01-13. Review status: criteria provided, single submitter. Criteria: ICSL Variant Classification Criteria 13 December 2019. Collection method: clinical testing. Allele origin: germline.
Comment: This variant was observed in the ICSL laboratory as part of a predisposition screen in an ostensibly healthy population. It had not been previously curated by ICSL or reported in the Human Gene Mutation Database (HGMD: prior to June 1st, 2018), and was therefore a candidate for classification through an automated scoring system. Utilizing variant allele frequency, disease prevalence and penetrance estimates, and inheritance mode, an automated score was calculated to assess if this variant is too frequent to cause the disease. Based on the score and internal cut-off values, a variant classified as benign is not then subjected to further curation. The score for this variant resulted in a classification of benign for this disease.

Breakthrough Genomics
Classification: Benign. Review status: criteria provided, single submitter. Criteria: ACMG Guidelines, 2015. Collection method: not provided. Allele origin: germline. Inheritance: Autosomal recessive inheritance. Affected: yes.